The following is an entry in ClinVar:

NM_000179.3(MSH6):c.*4G>A

Gene: MSH6 (mutS homolog 6; plus strand). Cytogenetic location: 2p16.3.
Variant type: single nucleotide variant.
Coding change: c.*4G>A on transcript NM_000179.3 (MANE Select); 4 bases downstream of the stop codon, G replaced by A.
Molecular consequence: 3 prime UTR variant. On other transcripts: non-coding transcript variant (5).
Genome position (GRCh38, 1-based): chr2:47,806,864, G>A. VCF-style: chr2-47806864-G-A. GRCh37 (hg19) VCF-style: chr2-48034003-G-A.
Other names: c.*4G>A (NM_001281492.2, NM_001281493.2, NM_001281494.2 and 33 more transcripts); c.*108G>A (NM_001406800.1); c.*68G>A (NM_001406801.1, NM_001406802.1, NM_001406808.1 and 1 more transcripts).
Identifiers: ClinVar variation 3893916 (VCV003893916.1).
Genomic context (GRCh38, chr2:47,806,864, plus strand): 5'-TCAACTGTAGATGCTGAAGCTGTCCATAAATTGCTGACTTTGATTAAGGAATTATAGACT[G>A]ACTACATTGGAAGCTTTGAGTTGACTTCTGACAAAGGTGGTAAATTCAGACAACATTATG-3'

ClinVar aggregate classification (germline): Uncertain significance (1 of 4 stars; one submission).

Conditions:
Hereditary cancer-predisposing syndrome. Also called: Neoplastic Syndromes, Hereditary; Tumor predisposition; Hereditary Cancer Syndrome; Hereditary neoplastic syndrome. Identifiers: Orphanet 140162, MedGen C0027672, MeSH D009386, MONDO:0015356.

Submission:

Color Diagnostics, LLC DBA Color Health
Classification: Uncertain significance for Hereditary cancer-predisposing syndrome. Last evaluated: 2025-02-17. Review status: criteria provided, single submitter. Criteria: ACMG Guidelines, 2015. Collection method: clinical testing. Allele origin: germline.
Comment: This variant is located in the 3' untranslated region of the MSH6 gene. To our knowledge, functional studies have not been reported for this variant. This variant has not been reported in individuals affected with MSH6-related disorders in the literature. This variant has not been identified in the general population by the Genome Aggregation Database (gnomAD). The available evidence is insufficient to determine the role of this variant in disease conclusively. Therefore, this variant is classified as a Variant of Uncertain Significance.